The following is an entry in ClinVar:

NM_001267550.2(TTN):c.11788G>A (p.Glu3930Lys)

Gene: TTN (titin; minus strand). Cytogenetic location: 2q31.2.
Variant type: single nucleotide variant.
Coding change: c.11788G>A on transcript NM_001267550.2 (MANE Select); coding-DNA position 11788, G replaced by A.
Protein change: p.Glu3930Lys; replaces glutamic acid 3930 with lysine.
Molecular consequence: missense variant. On other transcripts: intron variant (1).
Genome position (GRCh38, 1-based): chr2:178,741,445, C>T on the plus strand (G>A on the coding strand, the complement: TTN is on the minus strand). VCF-style: chr2-178741445-C-T. GRCh37 (hg19) VCF-style: chr2-179606172-C-T.
Other names: p.E3613K:GAA>AAA; p.Glu3613Lys; c.11275G>A, p.Glu3759Lys (NM_133437.4); c.10361-3085G>A (NM_133378.4); c.10837G>A, p.Glu3613Lys (NM_001256850.1); c.10699G>A, p.Glu3567Lys (NM_003319.4); c.11074G>A, p.Glu3692Lys (NM_133432.3); short protein forms E3692K, E3930K, E3613K, E3567K, E3759K.
Identifiers: ClinVar variation 178258 (VCV000178258.51), dbSNP rs186624523, ClinGen allele CA181940.
Genomic context (GRCh38, chr2:178,741,445, plus strand): 5'-CACAGCGAATTGGTTTTAACTCCTTAAGGAAGTGAGGAGGACAAGGACCTCCCAGCTTTT[C>T]CAGAGATTTTGCCACTGCTGATTCTGTTTCAGTGTCTTTGTGACCCTCTCCTTTGGAATT-3'
Protein context (NP_001254479.2, residues 3920-3940): ETESAVAKSL[Glu3930Lys]KLGGPCPPHF

ClinVar aggregate classification (germline): Conflicting classifications of pathogenicity. Review status: criteria provided, conflicting classifications (1 of 4 stars). 15 submissions from 15 submitters: Uncertain significance (3); Likely benign (10). 2 of the submissions do not count toward it. Last evaluated 2026-09-01.

Conditions:
TTN-related disorder. Also called: TTN-related disorders; TTN-related condition; TTN-related disease.
Cardiovascular phenotype. Identifiers: MedGen CN230736.
Cardiomyopathy (CMYO). Also called: Cardiomyopathies. Identifiers: Orphanet 167848, MedGen C0878544, MONDO:0004994, HP:0001638. Inheritance: Various modes of inheritance.
Tibial muscular dystrophy (TMD). Also called: Udd Distal Myopathy – Tibial Muscular Dystrophy; UDD MYOPATHY; Tibial muscular dystrophy, tardive. Identifiers: Orphanet 609, MedGen C1838244, MONDO:0010870, OMIM 600334.

Allele frequency attached by ClinVar (database versions not stated): gnomAD exomes 0.00030; ExAC 0.00033; gnomAD 0.00044 and 0.00046; ESP Exome Variant Server 0.00050; TOPMed 0.00059; 1000 Genomes Project 30x 0.00078; 1000 Genomes Project 0.00080.
gnomAD v4.1: 866 of 1,613,878 alleles (0.054%); highest among the groups gnomAD compares: Non-Finnish European, 0.066%; no homozygotes.

Submissions (15):

CeGaT Center for Human Genetics Tuebingen
Classification: Likely benign. Last evaluated: 2026-09-01. Review status: criteria provided, single submitter. Criteria: CeGaT Center For Human Genetics Tuebingen Variant Classification Criteria Version 2. Collection method: clinical testing. Allele origin: germline. Affected: yes. Observed: 5 variant alleles.
Comment: TTN: BP1, BP4

Mayo Clinic Laboratories, Mayo Clinic
Classification: Likely benign. Last evaluated: 2025-08-13. Review status: criteria provided, single submitter. Criteria: ACMG Guidelines, 2015. Collection method: clinical testing. Allele origin: germline. Observed: 2 variant alleles.

Molecular Diagnostic Laboratory for Inherited Cardiovascular Disease, Montreal Heart Institute
Classification: Likely benign. Last evaluated: 2025-04-09. Review status: criteria provided, single submitter. Criteria: ACMG Guidelines, 2015. Collection method: clinical testing. Allele origin: germline. Affected: no.

Women's Health and Genetics/Laboratory Corporation of America, LabCorp
Classification: Likely benign. Last evaluated: 2025-01-30. Review status: criteria provided, single submitter. Criteria: LabCorp Variant Classification Summary - May 2015. Collection method: clinical testing. Allele origin: germline.
Comment: Variant summary: TTN c.10361-3085G>A is located at a position not widely known to affect splicing. This variant corresponds to c.11788G>A, p.Glu3930Lys in NM_001267550. Consensus agreement among computation tools predict no significant impact on normal splicing. However, these predictions have yet to be confirmed by functional studies. The variant allele was found at a frequency of 0.0003 in 248650 control chromosomes, predominantly at a frequency of 0.00054 within the Non-Finnish European subpopulation in the gnomAD database. The observed variant frequency within Non-Finnish European control individuals in the gnomAD database is approximately 1.38 fold of the estimated maximal expected allele frequency for a pathogenic variant in TTN causing Dilated Cardiomyopathy phenotype (0.00039). c.10361-3085G>A has been reported in the literature in at least 2 individuals affected with clinical features of Dilated Cardiomyopathy (example, Pham_2023, Boen_2024) without strong evidence for causality. These report(s) do not provide unequivocal conclusions about association of the variant with TTN-related conditions. To our knowledge, no experimental evidence demonstrating an impact on protein function has been reported. The following publications have been ascertained in the context of this evaluation (PMID: 37199186, 26662719, 38689299). ClinVar contains an entry for this variant (Variation ID: 178258). Based on the evidence outlined above, the variant was classified as likely benign.

Blueprint Genetics
Classification: Likely benign. Last evaluated: 2024-11-19. Review status: criteria provided, single submitter. Criteria: ACMG Guidelines, 2015. Collection method: clinical testing. Allele origin: germline.

PreventionGenetics, part of Exact Sciences
Classification: Likely benign for TTN-related condition. Last evaluated: 2024-10-29. Review status: criteria provided, single submitter. Criteria: ACMG Guidelines, 2015. Collection method: clinical testing. Allele origin: germline.
Comment: This variant is classified as likely benign based on ACMG/AMP sequence variant interpretation guidelines (Richards et al. 2015 PMID: 25741868, with internal and published modifications).

GeneDx
Classification: Likely benign. Last evaluated: 2021-06-23. Review status: criteria provided, single submitter. Criteria: GeneDx Variant Classification Process June 2021. Collection method: clinical testing. Allele origin: germline. Affected: yes.

Ambry Genetics
Classification: Likely benign for Cardiovascular phenotype. Last evaluated: 2020-06-09. Review status: criteria provided, single submitter. Criteria: Ambry Variant Classification Scheme 2023. Collection method: clinical testing. Allele origin: germline.

Baylor Genetics
Classification: Uncertain significance for Tibial muscular dystrophy. Last evaluated: 2019-08-08. Review status: criteria provided, single submitter. Criteria: ACMG Guidelines, 2015. Collection method: clinical testing. Allele origin: unknown. Affected: yes.
Comment: This variant was determined to be of uncertain significance according to ACMG Guidelines, 2015 [PMID:25741868].

Athena Diagnostics
Classification: Likely benign. Last evaluated: 2018-07-05. Review status: criteria provided, single submitter. Criteria: Athena Diagnostics Criteria. Collection method: clinical testing. Allele origin: germline.

Eurofins Ntd Llc (ga)
Classification: Uncertain significance. Last evaluated: 2018-05-31. Review status: criteria provided, single submitter. Criteria: EGL ClinVar v180209 classification definitions. Collection method: clinical testing. Allele origin: germline. Observed: 8 variant alleles, 8 heterozygotes.

CHEO Genetics Diagnostic Laboratory, Children's Hospital of Eastern Ontario
Classification: Uncertain significance for Cardiomyopathy. Last evaluated: 2017-07-14. Review status: criteria provided, single submitter. Criteria: ACMG Guidelines, 2015. Collection method: clinical testing. Allele origin: germline. Study: Canadian Open Genetics Repository.

Laboratory for Molecular Medicine, Mass General Brigham Personalized Medicine
Classification: Likely benign. Last evaluated: 2014-12-23. Review status: criteria provided, single submitter. Criteria: LMM Criteria. Collection method: clinical testing. Allele origin: germline. Observed: 4 variant alleles.
Comment: p.Glu3692Lys in exon 45B of TTN: This variant is not expected to have clinical s ignificance due to a lack of conservation across species, including mammals. Of note, the chinchilla, bush-tailed rat, rabbit, and pika have a lysine (Lys) at t his position despite high nearby amino acid conservation. It has also been ident ified in 41/67642 European chromosomes by the Exome Aggregation Consortium (ExAC; dbSNP rs186624523).

Clinical Genetics DNA and cytogenetics Diagnostics Lab, Erasmus MC, Erasmus Medical Center
Classification: Uncertain significance. Review status: no assertion criteria provided. Collection method: clinical testing. Allele origin: germline. Affected: yes. Study: VKGL Data-share Consensus. Not counted in ClinVar's aggregate classification.

Clinical Genetics, Academic Medical Center
Classification: Uncertain significance. Review status: no assertion criteria provided. Collection method: clinical testing. Allele origin: germline. Affected: yes. Study: VKGL Data-share Consensus. Not counted in ClinVar's aggregate classification.

Literature cited by the submitters: PubMed 37199186 (cited by Women's Health and Genetics/Laboratory Corporation of America, LabCorp); PubMed 38689299 (cited by Women's Health and Genetics/Laboratory Corporation of America, LabCorp); PubMed 26662719 (cited by Women's Health and Genetics/Laboratory Corporation of America, LabCorp); PubMed 29590070 (cited by Ambry Genetics).